The following is an entry in ClinVar:

NM_138420.4(AHNAK2):c.5916A>G (p.Gly1972=)

Gene: AHNAK2 (AHNAK nucleoprotein 2; minus strand). Cytogenetic location: 14q32.33.
Variant type: single nucleotide variant.
Coding change: c.5916A>G on transcript NM_138420.4 (MANE Select); coding-DNA position 5916, A replaced by G.
Protein change: p.Gly1972=; no amino-acid change (glycine 1972 retained).
Molecular consequence: synonymous variant.
Genome position (GRCh38, 1-based): chr14:104,949,535, T>C on the plus strand (A>G on the coding strand, the complement: AHNAK2 is on the minus strand). VCF-style: chr14-104949535-T-C. GRCh37 (hg19) VCF-style: chr14-105415872-T-C.
Other names: c.5616A>G, p.Gly1872= (NM_001350929.2).
Identifiers: ClinVar variation 2644772 (VCV002644772.24), dbSNP rs142091843, ClinGen allele CA7381444.

ClinVar aggregate classification (germline): Likely benign (1 of 4 stars; one submission).

Allele frequency attached by ClinVar (database versions not stated): 1000 Genomes Project 30x 0.00187; 1000 Genomes Project 0.00739.

Submission:

CeGaT Center for Human Genetics Tuebingen
Classification: Likely benign. Last evaluated: 2024-10-01. Review status: criteria provided, single submitter. Criteria: CeGaT Center For Human Genetics Tuebingen Variant Classification Criteria Version 2. Collection method: clinical testing. Allele origin: germline. Affected: yes. Observed: 2 variant alleles.
Comment: AHNAK2: BP4, BP7